The following is an entry in ClinVar:

NM_000179.3(MSH6):c.3104G>T (p.Arg1035Leu)

Gene: MSH6 (mutS homolog 6; plus strand). Cytogenetic location: 2p16.3.
Variant type: single nucleotide variant.
Coding change: c.3104G>T on transcript NM_000179.3 (MANE Select); coding-DNA position 3104, G replaced by T.
Protein change: p.Arg1035Leu; replaces arginine 1035 with leucine.
Molecular consequence: missense variant.
Genome position (GRCh38, 1-based): chr2:47,801,087, G>T. VCF-style: chr2-47801087-G-T. GRCh37 (hg19) VCF-style: chr2-48028226-G-T.
Other names: p.R1035L:CGA>CTA; c.2714G>T, p.Arg905Leu (NM_001281492.2); c.2198G>T, p.Arg733Leu (NM_001281493.2, NM_001281494.2); short protein forms R1035L, R733L, R905L.
Identifiers: ClinVar variation 182641 (VCV000182641.31), dbSNP rs730881801, ClinGen allele CA011566.

ClinVar aggregate classification (germline): Conflicting classifications of pathogenicity. Review status: criteria provided, conflicting classifications (1 of 4 stars). 10 submissions from 10 submitters: Uncertain significance (8); Likely benign (2). Last evaluated 2026-02-20.

Conditions:
Hereditary nonpolyposis colorectal neoplasms. Identifiers: MedGen C0009405, MeSH D003123.
Hereditary cancer-predisposing syndrome. Also called: Tumor predisposition; Hereditary Cancer Syndrome; Hereditary neoplastic syndrome; Neoplastic Syndromes, Hereditary. Identifiers: Orphanet 140162, MedGen C0027672, MeSH D009386, MONDO:0015356.
Lynch syndrome. Identifiers: Orphanet 144, MedGen C4552100, MONDO:0005835. Disease mechanism: loss of function.
Endometrial carcinoma. Also called: Endometrial carcinoma, somatic. Identifiers: MedGen C0476089, MONDO:0002447, OMIM 608089, HP:0012114.
Lynch syndrome 5 (LYNCH5). Also called: Colorectal cancer, hereditary nonpolyposis, type 5; Hereditary non-polyposis colorectal cancer, type 5. Identifiers: Orphanet 144, MedGen C1833477, MONDO:0013710, OMIM 614350. Disease mechanism: loss of function.

Allele frequency attached by ClinVar (database versions not stated): TOPMed 0.00002.

Submissions (10):

St. Jude Molecular Pathology, St. Jude Children's Research Hospital
Classification: Uncertain significance for Lynch syndrome 5. Last evaluated: 2026-02-20. Review status: criteria provided, single submitter. Criteria: St. Jude Assertion Criteria 2020. Collection method: clinical testing. Allele origin: germline.
Comment: the MSH6 gene are associated with Lynch syndrome (also known as hereditary nonpolyposis colorectal cancer; HNPCC), an inherited disorder that increases the risk of many types of cancer, most notably colorectal ca ncers (OMIM ID: 614350). Pathogenic variants affecting both copies of the MSH6 gene result in constitutional mismatch repair deficiency (CMMRD) syndrome, a rare disorder that greatly increases the risk of developing one or more types of cancer in childre n and young adults (OMIM ID: 619097). The MSH6 c.3104G>T p.(Arg1035Leu) missense change has a maximum subpopulation frequency of 0.0018% in gnomAD v2.1.1. In silico tools predict a benign effect of this variant on pro tein function, but to our knowledge this prediction has not been confirmed by functional studies. In summary, the evidence currently available is insufficient to determine the clinical significance of this variant. It has therefore been classified as of uncertain significance.

Labcorp Genetics (formerly Invitae), Labcorp
Classification: Likely benign for Hereditary nonpolyposis colorectal neoplasms. Last evaluated: 2026-01-13. Review status: criteria provided, single submitter. Criteria: Invitae Variant Classification Sherloc (09022015). Collection method: clinical testing. Allele origin: germline.

Ambry Genetics
Classification: Uncertain significance for Hereditary cancer-predisposing syndrome. Last evaluated: 2025-06-28. Review status: criteria provided, single submitter. Criteria: Ambry Variant Classification Scheme 2023. Collection method: clinical testing. Allele origin: germline.
Comment: The p.R1035L variant (also known as c.3104G>T), located in coding exon 4 of the MSH6 gene, results from a G to T substitution at nucleotide position 3104. The arginine at codon 1035 is replaced by leucine, an amino acid with dissimilar properties. In one study, this variant was reported in 6/60,466 breast cancer cases as well as 2/53,461 controls (Dorling et al. N Engl J Med. 2021 02;384:428-439). This amino acid position is highly conserved in available vertebrate species. In addition, this alteration is predicted to be deleterious by in silico analysis. Since supporting evidence is limited at this time, the clinical significance of this alteration remains unclear.

Quest Diagnostics Nichols Institute San Juan Capistrano
Classification: Uncertain significance. Last evaluated: 2025-03-12. Review status: criteria provided, single submitter. Criteria: Quest Diagnostics criteria. Collection method: clinical testing. Allele origin: unknown.
Comment: The MSH6 c.3104G>T (p.Arg1035Leu) variant has been identified in several individuals with breast cancer as well as in reportedly healthy individuals in a breast cancer case-control study (PMID: 33471991 (2021), see LOVD). The frequency of this variant in the general population (Genome Aggregation Database) is uninformative in the assessment of its pathogenicity. Analysis of this variant using bioinformatics tools for the prediction of the effect of amino acid changes on protein structure and function yielded predictions that this variant is damaging. Based on the available information, we are unable to determine the clinical significance of this variant.

Myriad Genetics, Inc.
Classification: Likely benign for Lynch syndrome 5. Last evaluated: 2025-01-03. Review status: criteria provided, single submitter. Criteria: Myriad Autosomal Dominant, Autosomal Recessive and X-Linked Classification Criteria (2023). Collection method: clinical testing. Allele origin: unknown.
Comment: This variant is considered likely benign. This variant is strongly associated with less severe personal and family histories of cancer, typical for individuals without pathogenic variants in this gene [PMID: 27363726].

All of Us Research Program, National Institutes of Health
Classification: Uncertain significance for Lynch syndrome. Last evaluated: 2024-08-06. Review status: criteria provided, single submitter. Criteria: ACMG Guidelines, 2015. Collection method: clinical testing. Allele origin: germline. Inheritance: Autosomal dominant inheritance. Observed: 10 variant alleles, 10 heterozygotes.
Comment: This missense variant replaces arginine with leucine at codon 1035 of the MSH6 protein. Computational prediction suggests that this variant may have deleterious impact on protein structure and function (internally defined REVEL score threshold >= 0.7, PMID: 27666373). Splice site prediction tools suggest that this variant may not impact RNA splicing. To our knowledge, functional studies have not been performed for this variant. This variant has been reported in an individual affected with prostate cancer (Duarte 2019 dissertation, University of Sao Paulo). In a large breast cancer case-control study, this variant has been reported in 6/60466 cases and 2/53461 unaffected controls (PMID: 33471991). This variant has been identified in 2/248120 chromosomes in the general population by the Genome Aggregation Database (gnomAD). The available evidence is insufficient to determine the role of this variant in disease conclusively. Therefore, this variant is classified as a Variant of Uncertain Significance.

This study involves interpretation of variants in research participants for the purpose of population health screening. Participant phenotype was not available at the time of variant classification. Additional details can be found in publication PMID: 35346344, PMCID: PMC8962531

Color Diagnostics, LLC DBA Color Health
Classification: Uncertain significance for Hereditary cancer-predisposing syndrome. Last evaluated: 2024-07-11. Review status: criteria provided, single submitter. Criteria: ACMG Guidelines, 2015. Collection method: clinical testing. Allele origin: germline.
Comment: This missense variant replaces arginine with leucine at codon 1035 of the MSH6 protein. Computational prediction suggests that this variant may have deleterious impact on protein structure and function (internally defined REVEL score threshold >= 0.7, PMID: 27666373). Splice site prediction tools suggest that this variant may not impact RNA splicing. To our knowledge, functional studies have not been performed for this variant. This variant has been reported in an individual affected with prostate cancer (Duarte 2019 dissertation, University of Sao Paulo). In a large breast cancer case-control study, this variant has been reported in 6/60466 cases and 2/53461 unaffected controls (PMID: 33471991). This variant has been identified in 2/248120 chromosomes in the general population by the Genome Aggregation Database (gnomAD). The available evidence is insufficient to determine the role of this variant in disease conclusively. Therefore, this variant is classified as a Variant of Uncertain Significance.

GeneDx
Classification: Uncertain significance. Last evaluated: 2024-03-17. Review status: criteria provided, single submitter. Criteria: GeneDx Variant Classification Process June 2021. Collection method: clinical testing. Allele origin: germline. Affected: yes.
Comment: Not observed at significant frequency in large population cohorts (gnomAD); In silico analysis supports that this missense variant has a deleterious effect on protein structure/function; Observed in individuals with breast cancer, but also in unaffected controls (PMID: 33471991); This variant is associated with the following publications: (PMID: 28002797, 33471991, 17531815, 21120944)

Baylor Genetics
Classification: Uncertain significance for Endometrial carcinoma. Last evaluated: 2023-09-30. Review status: criteria provided, single submitter. Criteria: ACMG Guidelines, 2015. Collection method: clinical testing. Allele origin: unknown.

Women's Health and Genetics/Laboratory Corporation of America, LabCorp
Classification: Uncertain significance. Last evaluated: 2020-03-20. Review status: criteria provided, single submitter. Criteria: LabCorp Variant Classification Summary - May 2015. Collection method: clinical testing. Allele origin: germline.
Comment: Variant summary: MSH6 c.3104G>T (p.Arg1035Leu) results in a non-conservative amino acid change located in the core domain (IPR007696) of the encoded protein sequence. Five of five in-silico tools predict a damaging effect of the variant on protein function. The variant allele was found at a frequency of 8.1e-06 in 248120 control chromosomes (gnomAD). The available data on variant occurrences in the general population are insufficient to allow any conclusion about variant significance. To our knowledge, no occurrence of c.3104G>T in the germline state was reported in individuals affected with Lynch Syndrome, and no experimental evidence demonstrating its impact on protein function have been published. Four clinical diagnostic laboratories have submitted clinical-significance assessments for this variant to ClinVar after 2014 without evidence for independent evaluation. All laboratories classified the variant as uncertain significance. Based on the evidence outlined above, the variant was classified as uncertain significance.

Literature cited by the submitters: PubMed 33471991 (cited by 4 submitters); PubMed 27363726 (cited by Myriad Genetics, Inc.).